The following is an entry in ClinVar:

NM_001999.4(FBN2):c.5353+16G>A

Gene: FBN2 (fibrillin 2; minus strand). Cytogenetic location: 5q23.3.
Variant type: single nucleotide variant.
Coding change: c.5353+16G>A on transcript NM_001999.4 (MANE Select); 16 bases into the intron after coding-DNA position 5353, G replaced by A.
Molecular consequence: intron variant.
Genome position (GRCh38, 1-based): chr5:128,309,231, C>T on the plus strand (G>A on the coding strand, the complement: FBN2 is on the minus strand). VCF-style: chr5-128309231-C-T. GRCh37 (hg19) VCF-style: chr5-127644923-C-T.
Identifiers: ClinVar variation 377869 (VCV000377869.12), dbSNP rs187448568, ClinGen allele CA3394732.

ClinVar aggregate classification (germline): Benign/Likely benign. Review status: criteria provided, multiple submitters, no conflicts (2 of 4 stars). 4 submissions from 4 submitters: Benign (2); Likely benign (2). Last evaluated 2026-02-02.

Conditions:
Congenital contractural arachnodactyly (CCA). Also called: BEALS SYNDROME; Beals-Hecht syndrome; Arthrogryposis, distal, type 9. Identifiers: Orphanet 115, MedGen C0220668, MONDO:0007363, OMIM 121050.

Allele frequency attached by ClinVar (database versions not stated): ESP Exome Variant Server 0.00015; gnomAD 0.00026 and 0.00034; TOPMed 0.00043; ExAC 0.00057; gnomAD exomes 0.00071; 1000 Genomes Project 30x 0.00109; 1000 Genomes Project 0.00120.
gnomAD v4.1: 516 of 1,613,720 alleles (0.032%); highest among the groups gnomAD compares: East Asian, 0.58%; 2 homozygotes.

Submissions (4):

Labcorp Genetics (formerly Invitae), Labcorp
Classification: Benign for Congenital contractural arachnodactyly. Last evaluated: 2026-02-02. Review status: criteria provided, single submitter. Criteria: Invitae Variant Classification Sherloc (09022015). Collection method: clinical testing. Allele origin: germline.

Women's Health and Genetics/Laboratory Corporation of America, LabCorp
Classification: Likely benign. Last evaluated: 2025-04-29. Review status: criteria provided, single submitter. Criteria: LabCorp Variant Classification Summary - May 2015. Collection method: clinical testing. Allele origin: germline.

Blueprint Genetics
Classification: Likely benign. Last evaluated: 2024-10-09. Review status: criteria provided, single submitter. Criteria: ACMG Guidelines, 2015. Collection method: clinical testing. Allele origin: germline.

GeneDx
Classification: Benign. Last evaluated: 2015-09-28. Review status: criteria provided, single submitter. Criteria: GeneDx Variant Classification (06012015). Collection method: clinical testing. Allele origin: germline. Affected: yes.
Comment: This variant is considered likely benign or benign based on one or more of the following criteria: it is a conservative change, it occurs at a poorly conserved position in the protein, it is predicted to be benign by multiple in silico algorithms, and/or has population frequency not consistent with disease.